The following is an entry in ClinVar:

NM_000053.4(ATP7B):c.1285+2T>A

Gene: ATP7B (ATPase copper transporting beta; minus strand). Cytogenetic location: 13q14.3.
Variant type: single nucleotide variant.
Coding change: c.1285+2T>A on transcript NM_000053.4 (MANE Select); the canonical splice donor site of the intron after coding-DNA position 1285, T replaced by A.
Molecular consequence: splice donor variant.
Genome position (GRCh38, 1-based): chr13:51,973,933, A>T on the plus strand (T>A on the coding strand, the complement: ATP7B is on the minus strand). VCF-style: chr13-51973933-A-T. GRCh37 (hg19) VCF-style: chr13-52548069-A-T.
Other names: c.1285+2T>A (NM_001406514.1, NM_001406547.1, NM_001406545.1 and 29 more transcripts); c.1189+2T>A (NM_001406518.1, NM_001406544.1, NM_001406536.1 and 3 more transcripts); c.856+2T>A (NM_001406539.1); c.952+2T>A (NM_001243182.2).
Identifiers: ClinVar variation 189119 (VCV000189119.15), dbSNP rs759749626, ClinGen allele CA274399.

ClinVar aggregate classification (germline): Pathogenic/Likely pathogenic. Review status: criteria provided, multiple submitters, no conflicts (2 of 4 stars). 9 submissions from 9 submitters: Pathogenic (4); Likely pathogenic (4). 1 of the submissions does not count toward it. Last evaluated 2026-04-01.

Conditions:
Wilson disease (WND). Also called: Wilson's disease. Identifiers: Orphanet 905, MedGen C0019202, MONDO:0010200, OMIM 277900. Disease mechanism: loss of function.

Allele frequency attached by ClinVar (database versions not stated): gnomAD exomes below 0.00001 and 0.00001; ExAC 0.00001; gnomAD 0.00001; TOPMed 0.00001.
gnomAD v4.1: 4 of 1,614,146 alleles (0.00025%); highest among the groups gnomAD compares: Non-Finnish European, 0.00034%; no homozygotes.

Submissions (10):

CeGaT Center for Human Genetics Tuebingen
Classification: Pathogenic. Last evaluated: 2026-04-01. Review status: criteria provided, single submitter. Criteria: CeGaT Center For Human Genetics Tuebingen Variant Classification Criteria Version 2. Collection method: clinical testing. Allele origin: germline. Affected: yes. Observed: 1 variant allele.
Comment: ATP7B: PVS1, PM2

Color Diagnostics, LLC DBA Color Health
Classification: Likely pathogenic for Wilson disease. Last evaluated: 2025-08-18. Review status: criteria provided, single submitter. Criteria: ACMG Guidelines, 2015. Collection method: clinical testing. Allele origin: germline.
Comment: This variant causes a T to A nucleotide substitution at the +2 position of intron 2 of the ATP7B gene. Splice site prediction tools predict that this variant may have a significant impact on RNA splicing. Although this prediction has not been confirmed in published RNA studies, this variant is expected to result in an absent or disrupted protein product. This variant has been reported in an individual affected with Wilson disease (PMID: 10980554). This variant has been identified in 3/280598 chromosomes in the general population by the Genome Aggregation Database (gnomAD). Loss of ATP7B function is a known mechanism of disease. Based on the available evidence, this variant is classified as Likely Pathogenic.

Lildballe Lab, Aarhus University Hospital
Classification: Pathogenic for Wilson disease. Last evaluated: 2024-08-29. Review status: criteria provided, single submitter. Criteria: ACMG Guidelines, 2015. Collection method: clinical testing. Allele origin: germline. Affected: yes.
Comment: PVS1, PP5, PM2

Labcorp Genetics (formerly Invitae), Labcorp
Classification: Likely pathogenic for Wilson disease. Last evaluated: 2024-04-17. Review status: criteria provided, single submitter. Criteria: Invitae Variant Classification Sherloc (09022015). Collection method: clinical testing. Allele origin: germline.
Comment: This sequence change affects a donor splice site in intron 2 of the ATP7B gene. It is expected to disrupt RNA splicing. Variants that disrupt the donor or acceptor splice site typically lead to a loss of protein function (PMID: 16199547), and loss-of-function variants in ATP7B are known to be pathogenic (PMID: 10441329, 16283883). This variant is present in population databases (rs759749626, gnomAD 0.002%). Disruption of this splice site has been observed in individual(s) with Wilson disease (PMID: 10980554). ClinVar contains an entry for this variant (Variation ID: 189119). Algorithms developed to predict the effect of sequence changes on RNA splicing suggest that this variant may disrupt the consensus splice site. In summary, the currently available evidence indicates that the variant is pathogenic, but additional data are needed to prove that conclusively. Therefore, this variant has been classified as Likely Pathogenic.

All of Us Research Program, National Institutes of Health
Classification: Likely pathogenic for Wilson disease. Last evaluated: 2023-10-02. Review status: criteria provided, single submitter. Criteria: ACMG Guidelines, 2015. Collection method: clinical testing. Allele origin: germline. Inheritance: Autosomal recessive inheritance. Observed: 2 variant alleles, 2 heterozygotes.
Comment: This variant causes a T to A nucleotide substitution at the +2 position of intron 2 of the ATP7B gene. Splice site prediction tools predict that this variant may have a significant impact on RNA splicing. Although this prediction has not been confirmed in published RNA studies, this variant is expected to result in an absent or disrupted protein product. This variant has been reported in an individual affected with Wilson disease (PMID: 10980554). This variant has been identified in 3/280598 chromosomes in the general population by the Genome Aggregation Database (gnomAD). Loss of ATP7B function is a known mechanism of disease. Based on the available evidence, this variant is classified as Likely Pathogenic.

This study involves interpretation of variants in research participants for the purpose of population health screening. Participant phenotype was not available at the time of variant classification. Additional details can be found in publication PMID: 35346344, PMCID: PMC8962531

Mayo Clinic Laboratories, Mayo Clinic
Classification: Pathogenic. Last evaluated: 2023-05-18. Review status: criteria provided, single submitter. Criteria: ACMG Guidelines, 2015. Collection method: clinical testing. Allele origin: germline. Observed: 1 variant allele.
Comment: PP4, PM2, PVS1

Women's Health and Genetics/Laboratory Corporation of America, LabCorp
Classification: Likely pathogenic for Wilson disease. Last evaluated: 2023-04-25. Review status: criteria provided, single submitter. Criteria: LabCorp Variant Classification Summary - May 2015. Collection method: clinical testing. Allele origin: germline.
Comment: Variant summary: ATP7B c.1285+2T>A is located in a canonical splice-site and is predicted to affect mRNA splicing resulting in a significantly altered protein due to either exon skipping, shortening, or inclusion of intronic material. Several computational tools predict a significant impact on normal splicing: Four predict the variant abolishes a canonical 5' splicing donor site. However, these predictions have yet to be confirmed by functional studies. The variant allele was found at a frequency of 8e-06 in 249188 control chromosomes (gnomAD). c.1285+2T>A has been reported in the literature in an individual affected with Wilson Disease, along with two truncating variants without a specified phase. To our knowledge, no experimental evidence demonstrating an impact on protein function has been reported. The following publication has been ascertained in the context of this evaluation (PMID: 10980554). Two submitters have provided clinical-significance assessments for this variant to ClinVar after 2014, and classified the variant as likely pathogenic. Based on the evidence outlined above, the variant was classified as likely pathogenic.

Baylor Genetics
Classification: Pathogenic for Wilson disease. Last evaluated: 2023-02-16. Review status: criteria provided, single submitter. Criteria: ACMG Guidelines, 2015. Collection method: clinical testing. Allele origin: unknown.

Counsyl
Classification: Likely pathogenic for Wilson's disease. Last evaluated: 2015-01-08. Review status: no assertion criteria provided. Collection method: literature only. Allele origin: unknown. Inheritance: Autosomal recessive inheritance. Not counted in ClinVar's aggregate classification.

Dr. Peter K. Rogan Lab, Western University
No classification provided (evidence only). Condition: Familial cancer of breast. Review status: no classification provided. Collection method: in vitro. Allele origin: not applicable. Functional consequence: retained intron. Not counted in ClinVar's aggregate classification.

Literature cited by the submitters: PubMed 10980554 (cited by 6 submitters); PubMed 16199547 (cited by Labcorp Genetics (formerly Invitae), Labcorp); PubMed 10441329 (cited by Labcorp Genetics (formerly Invitae), Labcorp); PubMed 16283883 (cited by Labcorp Genetics (formerly Invitae), Labcorp); PubMed 25525159 (cited by Mayo Clinic Laboratories, Mayo Clinic).